The following is an entry in ClinVar:

NM_001903.5(CTNNA1):c.1467A>G (p.Glu489=)

Gene: CTNNA1 (catenin alpha 1; plus strand). Cytogenetic location: 5q31.2.
Variant type: single nucleotide variant.
Coding change: c.1467A>G on transcript NM_001903.5 (MANE Select); coding-DNA position 1467, A replaced by G.
Protein change: p.Glu489=; no amino-acid change (glutamic acid 489 retained).
Molecular consequence: synonymous variant.
Genome position (GRCh38, 1-based): chr5:138,917,819, A>G. VCF-style: chr5-138917819-A-G. GRCh37 (hg19) VCF-style: chr5-138253508-A-G.
Other names: c.357A>G, p.Glu119= (NM_001323989.1, NM_001323990.1, NM_001323992.1 and 17 more transcripts); c.18A>G, p.Glu6= (NM_001324006.1, NM_001324007.1, NM_001324008.1 and 2 more transcripts); c.264A>G, p.Glu88= (NM_001324011.1); c.114A>G, p.Glu38= (NM_001324013.1, NM_001324012.1); c.1467A>G, p.Glu489= (NM_001290307.3, NM_001323982.2, NM_001323983.1 and 2 more transcripts); c.1158A>G, p.Glu386= (NM_001290309.3); c.1098A>G, p.Glu366= (NM_001290310.3); c.1374A>G, p.Glu458= (NM_001323986.2).
Identifiers: ClinVar variation 3773232 (VCV003773232.1).

ClinVar aggregate classification (germline): Benign (1 of 4 stars; one submission).

Conditions:
Hereditary diffuse gastric adenocarcinoma (HDGC). Also called: DIFFUSE GASTRIC AND LOBULAR BREAST CANCER SYNDROME. Identifiers: Orphanet 26106, MedGen C1708349, MONDO:0007648, OMIM 137215.

Submission:

Myriad Genetics, Inc.
Classification: Benign for Hereditary diffuse gastric adenocarcinoma. Last evaluated: 2024-10-11. Review status: criteria provided, single submitter. Criteria: Myriad Autosomal Dominant, Autosomal Recessive and X-Linked Classification Criteria (2023). Collection method: clinical testing. Allele origin: unknown.
Comment: This variant is considered benign. This variant is a silent/synonymous amino acid change and it is not expected to impact splicing.